The following is an entry in ClinVar:

ClinVar aggregate classification (germline): Pathogenic. Review status: reviewed by expert panel (3 of 4 stars). 10 submissions from 10 submitters: Pathogenic (1). 9 of the submissions do not count toward it. Last evaluated 2022-12-06.

Conditions:
Glycogen storage disease, type II (IOPD). Also called: POMPE DISEASE, INFANTILE-ONSET; GLYCOGEN STORAGE DISEASE II, INFANTILE-ONSET; ACID ALPHA-GLUCOSIDASE DEFICIENCY, INFANTILE-ONSET; GAA DEFICIENCY, INFANTILE-ONSET; ACID MALTASE DEFICIENCY, INFANTILE-ONSET; CARDIOMEGALIA GLYCOGENICA DIFFUSA. Identifiers: Orphanet 365, MedGen C0017921, MONDO:0009290, OMIM 232300.

Allele frequency attached by ClinVar (database versions not stated): gnomAD exomes below 0.00001; TOPMed 0.00001; gnomAD 0.00002.
gnomAD v4.1: 8 of 1,613,808 alleles (0.0005%); highest among the groups gnomAD compares: African/African-American, 0.0013%; no homozygotes.

Submissions (10):

ClinGen Lysosomal Storage Disorder Variant Curation Expert Panel
Classification: Pathogenic for Glycogen storage disease, type II. Last evaluated: 2022-12-06. Review status: reviewed by expert panel. Criteria: clingen_lsd_acmg_specifications_v2-1. Collection method: curation. Allele origin: germline. Inheritance: Autosomal recessive inheritance.
Comment: The NM_000152.:c.1735G>A variant in GAA is a missense variant predicted to result in the substitution of glutamate by lysine at amino acid 579 (p.Glu579Lys). Five patients with a diagnosis of Pompe disease and the variant have been reported, three with documented laboratory values showing deficiency of GAA activity (PMID: 21676566, 23601496, 29124014, 34357340), one with reported features consistent with infantile-onset Pompe disease (PMID: 24269976), and another reported to have Pompe disease (PMID: 14695532) (PP4_Moderate). Four of these patients are compound heterozygous for the variant and a variant in GAA that has been classified as pathogenic by the ClinGen LSD VCEP, all phase unknown, including c.-32-13T>G (PMID: 34357340) (0.5 points), c.525delT (PMID: 14695532) (0.5 points), c.2237G>A (p.Trp746Ter) (PMID: 24269976) (0.5 points), and c.655G>A (p.Gly219Arg) (PMIDs: 23601496, 31086307,31193175) (0.5 points). Total 2 points (PM3_Strong). Another patient is compound heterozygous for the variant and c.1857C>G (p.Ser619Arg) (PMIDs: 21676566, 29124014) The allelic data from this patient will be used in the classification of p.Ser619Arg and is not included here to avoid circular logic. The highest population minor allele frequency in gnomAD v2.1.1 is 0.00002 (2/129092) in the European Non-Finnish population, which is lower than the ClinGen LSD VCEP threshold (<0.001) for PM2_Supporting, meeting this criterion (PM2_Supporting). When expressed in COS cells, this variant had <5% GAA activity in cells and <2% in medium, evidence of abnormal synthesis and processing on Western blot, and did not localize to the lysosomes (PMID: 14695532, 19862843) (PS3_Moderate). The computational predictor REVEL gives a score of 0.878 which is above the threshold of 0.7, evidence that correlates with impact to GAA function (PP3). There is a ClinVar entry for this variant (Variation ID: 495664). In summary this variant meets the criteria to be classified as pathogenic for Pompe disease. GAA-specific ACMG-AMP criteria met, as specified by the Clingen Lysosomal Storage Disorders VCEP (Specifications Version 2.0): PM3_Strong, PS3_Moderate, PP4_Moderate, PP3, PM2_Supporting. (Classification approved by the ClinGen LSD VCEP on December 6, 2022)

Genomenon, Inc
Classification: Likely pathogenic for Glycogen storage disease, type II. Last evaluated: 2026-07-01. Review status: criteria provided, single submitter. Criteria: Genomenon Sequence Variant Interpretation Standards - Updated. Collection method: curation. Allele origin: germline. Affected: yes. Not counted in ClinVar's aggregate classification.
Comment: GAA p.Glu579Lys (c.1735G>A) is a missense variant that changes the amino acid at codon 579 from Glutamic acid to Lysine. This variant has been observed in at least one proband with a GAA-related disorder in the compound heterozygous and/or homozygous state (PMID:39010129;34357340;31193175;29124014;21676566;14695532;24269976;23601496). At least one functional study has demonstrated a substantial alteration in protein function relative to the wild-type (PMID:14695532;19862843;22990675). It is absent or not present at a significant frequency in gnomAD. In silico models predict that this variant is possibly or probably damaging. In conclusion, we classify GAA p.Glu579Lys (c.1735G>A) as a likely pathogenic variant.

Labcorp Genetics (formerly Invitae), Labcorp
Classification: Pathogenic for Glycogen storage disease, type II. Last evaluated: 2026-01-13. Review status: criteria provided, single submitter. Criteria: Invitae Variant Classification Sherloc (09022015). Collection method: clinical testing. Allele origin: germline. Not counted in ClinVar's aggregate classification.
Comment: This sequence change replaces glutamic acid, which is acidic and polar, with lysine, which is basic and polar, at codon 579 of the GAA protein (p.Glu579Lys). This variant is present in population databases (no rsID available, gnomAD 0.002%). This missense change has been observed in individuals with Pompe disease (PMID: 14695532, 21676566, 24269976, 29124014, 31342611). ClinVar contains an entry for this variant (Variation ID: 495664). Invitae Evidence Modeling of protein sequence and biophysical properties (such as structural, functional, and spatial information, amino acid conservation, physicochemical variation, residue mobility, and thermodynamic stability) indicates that this missense variant is expected to disrupt GAA protein function with a positive predictive value of 95%. Experimental studies have shown that this missense change affects GAA function (PMID: 14695532, 19862843). For these reasons, this variant has been classified as Pathogenic.

Revvity Omics, Revvity
Classification: Pathogenic. Last evaluated: 2024-11-05. Review status: criteria provided, single submitter. Criteria: ACMG Guidelines, 2015. Collection method: clinical testing. Allele origin: germline. Not counted in ClinVar's aggregate classification.

Fulgent Genetics
Classification: Pathogenic for Glycogen storage disease, type II. Last evaluated: 2022-04-11. Review status: criteria provided, single submitter. Criteria: ACMG Guidelines, 2015. Collection method: clinical testing. Allele origin: unknown. Not counted in ClinVar's aggregate classification.

AiLife Diagnostics
Classification: Likely pathogenic. Last evaluated: 2021-12-28. Review status: criteria provided, single submitter. Criteria: ACMG Guidelines, 2015. Collection method: clinical testing. Allele origin: germline. Affected: yes. Observed: 1 variant allele. Not counted in ClinVar's aggregate classification.

Broad Center for Mendelian Genomics, Broad Institute of MIT and Harvard
Classification: Likely pathogenic for Glycogen storage disease, type II. Last evaluated: 2020-01-22. Review status: criteria provided, single submitter. Criteria: ACMG Guidelines, 2015. Collection method: curation. Allele origin: germline. Inheritance: Autosomal recessive inheritance. Not counted in ClinVar's aggregate classification.
Comment: This variant has been identified in 0.002% (2/129092) of European (non-Finnish) chromosomes by the Genome Aggregation Database (gnomAD; dbSNP rs991082382). Although this variant has been seen in the general population, its frequency is low enough to be consistent with a recessive carrier frequency. In vitro functional studies provide some evidence that the p.Glu579Lys variant may impact GAA processing and activity (PMID: 14695532). However, these types of assays may not accurately represent biological function. Computational prediction tools and conservation analyses suggest that this variant may impact the protein, though this information is not predictive enough to determine pathogenicity. The presence of this variant in combination with a pathogenic variant and in an individual with Glycogen Storage Disease II increases the likelihood that the p.Glu579Lys variant is pathogenic (PMID: 23601496). The phenotype of individuals heterozygous for this variant is highly specific for Glycogen Storage Disease II with reduced GAA activity detected in their skin fibroblasts or muscle (PMID: 23601496, 21676566). In summary, although additional studies are required to fully establish its clinical significance, this variant is likely pathogenic. ACMG/AMP Criteria applied: PM3_Supporting, PS3, PM2, PP3, PP4 (Richards 2015).

Women's Health and Genetics/Laboratory Corporation of America, LabCorp
Classification: Pathogenic for Glycogen storage disease, type II. Last evaluated: 2016-09-22. Review status: criteria provided, single submitter. Criteria: LabCorp Variant Classification Summary - May 2015. Collection method: clinical testing. Allele origin: germline. Not counted in ClinVar's aggregate classification.
Comment: Variant summary: The GAA c.1735G>A (p.Glu579Lys) variant located in the glycoside hydrolase superfamily domain (via InterPro) causes a missense change involving a conserved nucleotide with 4/5 in silico tools predicting a "damaging" outcome, which is supported by multiple functional studies. The variant of interest was not observed in controls (ExAC, 1000 Gs or ESP) and multiple publications cite the variant in compound heterozygote affected individuals. Therefore, the variant of interest has been classified as Pathogenic.

Natera, Inc.
Classification: Pathogenic for Glycogen storage disease type II. Last evaluated: 2020-09-24. Review status: no assertion criteria provided. Collection method: clinical testing. Allele origin: germline. Not counted in ClinVar's aggregate classification.

Counsyl
Classification: Likely pathogenic for Glycogen storage disease, type II. Last evaluated: 2018-12-27. Review status: no assertion criteria provided. Collection method: clinical testing. Allele origin: unknown. Not counted in ClinVar's aggregate classification.

Literature cited by the submitters: PubMed 19862843 (cited by 5 submitters); PubMed 39010129 (cited by Genomenon, Inc); PubMed 34357340 (cited by Genomenon, Inc); PubMed 31193175 (cited by Genomenon, Inc); PubMed 29124014 (cited by 3 submitters); PubMed 21676566 (cited by 5 submitters); PubMed 14695532 (cited by 6 submitters); PubMed 24269976 (cited by 4 submitters); PubMed 23601496 (cited by 4 submitters); PubMed 22990675 (cited by Genomenon, Inc); PubMed 31342611 (cited by Labcorp Genetics (formerly Invitae), Labcorp); PubMed 31086307 (cited by AiLife Diagnostics).

NM_000152.5(GAA):c.1735G>A (p.Glu579Lys)

Gene: GAA (alpha glucosidase; plus strand). Cytogenetic location: 17q25.3.
Variant type: single nucleotide variant.
Coding change: c.1735G>A on transcript NM_000152.5 (MANE Select); coding-DNA position 1735, G replaced by A.
Protein change: p.Glu579Lys; replaces glutamic acid 579 with lysine.
Molecular consequence: missense variant.
Genome position (GRCh38, 1-based): chr17:80,112,081, G>A. VCF-style: chr17-80112081-G-A. GRCh37 (hg19) VCF-style: chr17-78085880-G-A.
Other names: c.1735G>A, p.Glu579Lys (NM_001079803.3, NM_001079804.3); c.1735G>A (LRG_673t1); short protein forms E579K.
Identifiers: ClinVar variation 495664 (VCV000495664.24), dbSNP rs991082382, ClinGen allele CA294895841.